The following is an entry in ClinVar:

ClinVar aggregate classification (germline): Uncertain significance. Review status: criteria provided, multiple submitters, no conflicts (2 of 4 stars). 2 submissions from 2 submitters: Uncertain significance (2). Last evaluated 2025-09-22.

Conditions:
Periodic fever-infantile enterocolitis-autoinflammatory syndrome. Also called: Autoinflammation with infantile enterocolitis. Identifiers: Orphanet 436166, MedGen C4015067, MONDO:0014472, OMIM 616050.
Familial cold autoinflammatory syndrome 4 (FCAS4). Identifiers: Orphanet 47045, Orphanet 576349, MedGen C4015276, MONDO:0014498, OMIM 616115.

Allele frequency attached by ClinVar (database versions not stated): TOPMed 0.00001; gnomAD 0.00001; gnomAD exomes 0.00001; ExAC 0.00001.
gnomAD v4.1: 18 of 1,613,434 alleles (0.0011%); highest among the groups gnomAD compares: Non-Finnish European, 0.0014%; no homozygotes.

Submissions (2):

Mayo Clinic Laboratories, Mayo Clinic
Classification: Uncertain significance. Last evaluated: 2025-09-22. Review status: criteria provided, single submitter. Criteria: ACMG Guidelines, 2015. Collection method: clinical testing. Allele origin: germline. Observed: 1 variant allele.

Labcorp Genetics (formerly Invitae), Labcorp
Classification: Uncertain significance for Periodic fever-infantile enterocolitis-autoinflammatory syndrome; Familial cold autoinflammatory syndrome 4. Last evaluated: 2023-02-14. Review status: criteria provided, single submitter. Criteria: Invitae Variant Classification Sherloc (09022015). Collection method: clinical testing. Allele origin: germline.
Comment: In summary, the available evidence is currently insufficient to determine the role of this variant in disease. Therefore, it has been classified as a Variant of Uncertain Significance. This sequence change replaces leucine, which is neutral and non-polar, with serine, which is neutral and polar, at codon 967 of the NLRC4 protein (p.Leu967Ser). This variant is present in population databases (rs761511208, gnomAD 0.002%). This variant has not been reported in the literature in individuals affected with NLRC4-related conditions. Advanced modeling of protein sequence and biophysical properties (such as structural, functional, and spatial information, amino acid conservation, physicochemical variation, residue mobility, and thermodynamic stability) performed at Invitae indicates that this missense variant is expected to disrupt NLRC4 protein function.

NM_001199138.2(NLRC4):c.2900T>C (p.Leu967Ser)

Gene: NLRC4 (NLR family CARD domain containing 4; minus strand). Cytogenetic location: 2p22.3.
Variant type: single nucleotide variant.
Coding change: c.2900T>C on transcript NM_001199138.2 (MANE Select); coding-DNA position 2900, T replaced by C.
Protein change: p.Leu967Ser; replaces leucine 967 with serine.
Molecular consequence: missense variant.
Genome position (GRCh38, 1-based): chr2:32,224,648, A>G on the plus strand (T>C on the coding strand, the complement: NLRC4 is on the minus strand). VCF-style: chr2-32224648-A-G. GRCh37 (hg19) VCF-style: chr2-32449717-A-G.
Other names: p.Leu967Ser; c.2900T>C, p.Leu967Ser (NM_001199139.2, NM_021209.5); c.905T>C, p.Leu302Ser (NM_001302504.2); short protein forms L302S, L967S.
Identifiers: ClinVar variation 2935456 (VCV002935456.4), dbSNP rs761511208, ClinGen allele CA1601649.